The following is an entry in ClinVar:

NM_002691.4(POLD1):c.337G>A (p.Gly113Arg)

Gene: POLD1 (DNA polymerase delta 1, catalytic subunit; plus strand). Cytogenetic location: 19q13.33.
Variant type: single nucleotide variant.
Coding change: c.337G>A on transcript NM_002691.4 (MANE Select); coding-DNA position 337, G replaced by A.
Protein change: p.Gly113Arg; replaces glycine 113 with arginine.
Molecular consequence: missense variant. On other transcripts: non-coding transcript variant (1).
Genome position (GRCh38, 1-based): chr19:50,401,798, G>A. VCF-style: chr19-50401798-G-A. GRCh37 (hg19) VCF-style: chr19-50905055-G-A.
Other names: c.337G>A, p.Gly113Arg (NM_001256849.1, NM_001308632.1); c.337G>A (NM_002691.2); short protein forms G113R.
Identifiers: ClinVar variation 578976 (VCV000578976.9), dbSNP rs1568618739, ClinGen allele CA406972133.

ClinVar aggregate classification (germline): Uncertain significance. Review status: criteria provided, multiple submitters, no conflicts (2 of 4 stars). 2 submissions from 2 submitters: Uncertain significance (2). Last evaluated 2025-08-19.

Conditions:
Hereditary cancer-predisposing syndrome. Also called: Tumor predisposition; Neoplastic Syndromes, Hereditary; Hereditary Cancer Syndrome; Hereditary neoplastic syndrome. Identifiers: Orphanet 140162, MedGen C0027672, MeSH D009386, MONDO:0015356.
POLD1-related polyposis and colorectal cancer syndrome (CRCS10). Also called: Colorectal cancer 10; COLORECTAL CANCER, SUSCEPTIBILITY TO, ON CHROMOSOME 19q; Colorectal cancer, susceptibility to, 10. Identifiers: Orphanet 220460, MedGen C2675481, MONDO:0012953, OMIM 612591.

Submissions (2):

Ambry Genetics
Classification: Uncertain significance for Hereditary cancer-predisposing syndrome. Last evaluated: 2025-08-19. Review status: criteria provided, single submitter. Criteria: Ambry Variant Classification Scheme 2023. Collection method: clinical testing. Allele origin: germline.
Comment: The p.G113R variant (also known as c.337G>A), located in coding exon 3 of the POLD1 gene, results from a G to A substitution at nucleotide position 337. The glycine at codon 113 is replaced by arginine, an amino acid with dissimilar properties. This amino acid position is not well conserved in available vertebrate species. In addition, this alteration is predicted to be tolerated by in silico analysis. Based on the available evidence, the clinical significance of this variant remains unclear.

Labcorp Genetics (formerly Invitae), Labcorp
Classification: Uncertain significance for POLD1-related polyposis and colorectal cancer syndrome. Last evaluated: 2025-07-30. Review status: criteria provided, single submitter. Criteria: Invitae Variant Classification Sherloc (09022015). Collection method: clinical testing. Allele origin: germline.
Comment: This sequence change replaces glycine, which is neutral and non-polar, with arginine, which is basic and polar, at codon 113 of the POLD1 protein (p.Gly113Arg). This variant is not present in population databases (gnomAD no frequency). This variant has not been reported in the literature in individuals affected with POLD1-related conditions. ClinVar contains an entry for this variant (Variation ID: 578976). An algorithm developed to predict the effect of missense changes on protein structure and function (PolyPhen-2) suggests that this variant is likely to be disruptive. In summary, the available evidence is currently insufficient to determine the role of this variant in disease. Therefore, it has been classified as a Variant of Uncertain Significance.